The following is an entry in ClinVar:

ClinVar aggregate classification (germline): Likely benign (1 of 4 stars; one submission).

Conditions:
Global developmental delay with speech and behavioral abnormalities. Identifiers: MedGen C5543226, MONDO:0030995, OMIM 619243.

Submission:

Centre for Medical Genetics,  Mumbai
Classification: Likely benign for Global developmental delay with speech and behavioral abnormalities. Last evaluated: 2026-02-05. Review status: criteria provided, single submitter. Criteria: ACMG Guidelines, 2015. Collection method: provider interpretation. Allele origin: germline. Inheritance: Autosomal dominant inheritance. Affected: no. Observed: 1 heterozygote.
Comment: The variant satisfies PM2 criteria; Extremely low frequency in gnomAD population databases. The variant satisfies BP4 criteria; For a missense or a splice region variant, computational prediction tools unanimously support a benign effect on the gene. However, the variant satisfies the BS2 criteria.

Literature cited by the submitters: PubMed 29463886.

NM_001162501.2(TNRC6B):c.2966-7C>T

Gene: TNRC6B (trinucleotide repeat containing adaptor 6B; plus strand). Cytogenetic location: 22q13.1.
Variant type: single nucleotide variant.
Coding change: c.2966-7C>T on transcript NM_001162501.2 (MANE Select); 7 bases into the intron before coding-DNA position 2966, C replaced by T.
Molecular consequence: intron variant.
Genome position (GRCh38, 1-based): chr22:40,273,418, C>T. VCF-style: chr22-40273418-C-T. GRCh37 (hg19) VCF-style: chr22-40669422-C-T.
Other names: c.725-7C>T (NM_001024843.2); c.2807-7C>T (NM_015088.3).
Identifiers: ClinVar variation 4755402 (VCV004755402.1).
Genomic context (GRCh38, chr22:40,273,418, plus strand): 5'-GGAATTATTATTCTGATGATTGTTTTATATAGCTGTTGCAAAGAGTTAATTCATTCTTTC[C>T]TTAAAGATTCCAAATCTATGCAAGACGGCTGGGGGGAGAGTGACGGGCCAGTCACAGGAG-3'